The following is an entry in ClinVar:

NM_017763.6(RNF43):c.1786C>G (p.Gln596Glu)

Gene: RNF43 (ring finger protein 43; minus strand). Cytogenetic location: 17q22.
Variant type: single nucleotide variant.
Coding change: c.1786C>G on transcript NM_017763.6 (MANE Select); coding-DNA position 1786, C replaced by G.
Protein change: p.Gln596Glu; replaces glutamine 596 with glutamic acid.
Molecular consequence: missense variant.
Genome position (GRCh38, 1-based): chr17:58,357,990, G>C on the plus strand (C>G on the coding strand, the complement: RNF43 is on the minus strand). VCF-style: chr17-58357990-G-C. GRCh37 (hg19) VCF-style: chr17-56435351-G-C.
Other names: c.1786C>G, p.Gln596Glu (NM_001305544.3, NM_001438820.1, NM_001438821.1 and 1 more transcripts); c.1405C>G, p.Gln469Glu (NM_001305545.2, NM_001437987.1); short protein forms Q596E, Q469E.
Identifiers: ClinVar variation 5028325 (VCV005028325.1).

ClinVar aggregate classification (germline): Uncertain significance (1 of 4 stars; one submission).

gnomAD v4.1: 1 of 1,606,874 alleles (0.000062%); highest among the groups gnomAD compares: African/African-American, 0.0013%; no homozygotes.

Submission:

Ambry Genetics
Classification: Uncertain significance. Last evaluated: 2026-06-26. Review status: criteria provided, single submitter. Criteria: Ambry Variant Classification Scheme 2023. Collection method: clinical testing. Allele origin: germline.
Comment: The p.Q596E variant (also known as c.1786C>G), located in coding exon 8 of the RNF43 gene, results from a C to G substitution at nucleotide position 1786. The glutamine at codon 596 is replaced by glutamic acid, an amino acid with highly similar properties. This amino acid position is conserved. In addition, this alteration is predicted to be tolerated by in silico analysis. Based on the available evidence, the clinical significance of this variant remains unclear.